The following is an entry in ClinVar:

NM_000551.4(VHL):c.-46G>A

Gene: VHL (von Hippel-Lindau tumor suppressor; plus strand). Cytogenetic location: 3p25.3.
Variant type: single nucleotide variant.
Coding change: c.-46G>A on transcript NM_000551.4 (MANE Select); 46 bases upstream of the start codon, G replaced by A.
Molecular consequence: 5 prime UTR variant. On other transcripts: non-coding transcript variant (1).
Genome position (GRCh38, 1-based): chr3:10,141,802, G>A. VCF-style: chr3-10141802-G-A. GRCh37 (hg19) VCF-style: chr3-10183486-G-A.
Other names: c.-46G>A (NM_001354723.2, NM_198156.3).
Identifiers: ClinVar variation 3753295 (VCV003753295.2).

ClinVar aggregate classification (germline): Uncertain significance (1 of 4 stars; one submission).

Conditions:
Chuvash polycythemia. Also called: POLYCYTHEMIA, VHL-DEPENDENT. Identifiers: Orphanet 238557, MedGen C1837915, MONDO:0009892, OMIM 263400.
Von Hippel-Lindau syndrome (VHLS). Also called: VHL syndrome; von Hippel–Lindau syndrome; Von Hippel-Lindau. Identifiers: Orphanet 892, MedGen C0019562, MONDO:0008667, OMIM 193300. Disease mechanism: loss of function.

gnomAD v4.1: 1 of 1,535,482 alleles (0.000065%); highest among the groups gnomAD compares: Non-Finnish European, 0.000088%; no homozygotes.

Submission:

Labcorp Genetics (formerly Invitae), Labcorp
Classification: Uncertain significance for Von Hippel-Lindau syndrome; Chuvash polycythemia. Last evaluated: 2024-04-17. Review status: criteria provided, single submitter. Criteria: Invitae Variant Classification Sherloc (09022015). Collection method: clinical testing. Allele origin: germline.
Comment: This variant occurs in a non-coding region of the VHL gene. It does not change the encoded amino acid sequence of the VHL protein. This variant is not present in population databases (gnomAD no frequency). This variant has not been reported in the literature in individuals affected with VHL-related conditions. In summary, the available evidence is currently insufficient to determine the role of this variant in disease. Therefore, it has been classified as a Variant of Uncertain Significance.